The following is an entry in ClinVar:

NM_003076.5(SMARCD1):c.238G>A (p.Gly80Ser)

Gene: SMARCD1 (SWI/SNF related BAF chromatin remodeling complex subunit D1; plus strand). Cytogenetic location: 12q13.12.
Variant type: single nucleotide variant.
Coding change: c.238G>A on transcript NM_003076.5 (MANE Select); coding-DNA position 238, G replaced by A.
Protein change: p.Gly80Ser; replaces glycine 80 with serine.
Molecular consequence: missense variant.
Genome position (GRCh38, 1-based): chr12:50,086,221, G>A. VCF-style: chr12-50086221-G-A. GRCh37 (hg19) VCF-style: chr12-50480004-G-A.
Other names: c.238G>A, p.Gly80Ser (NM_139071.3); short protein forms G80S.
Identifiers: ClinVar variation 4076188 (VCV004076188.1).
Genomic context (GRCh38, chr12:50,086,221, plus strand): 5'-AGACCAGGTATGTTGCCAGGCAGCCGAATGACACCTCAGGGACCTTCCATGGGACCCCCT[G>A]GCTATGGGGGGAACCCTTCAGTCCGACCTGGCCTGGCCCAGTCAGGGATGGATCAGTCCC-3'
Protein context (NP_003067.3, residues 70-90): TPQGPSMGPP[Gly80Ser]YGGNPSVRPG

ClinVar aggregate classification (germline): Uncertain significance (1 of 4 stars; one submission).

Conditions:
Coffin-Siris syndrome 11. Identifiers: MedGen C5241442, MONDO:0032912, OMIM 618779.

Submission:

Laboratorio de Genetica e Diagnostico Molecular, Hospital Israelita Albert Einstein
Classification: Uncertain significance for Coffin-Siris syndrome 11. Last evaluated: 2024-10-11. Review status: criteria provided, single submitter. Criteria: ACMG Guidelines, 2015. Collection method: clinical testing. Allele origin: germline. Affected: yes.
Comment: ACMG classification criteria: PM2 supporting, PP2 supporting